The following is an entry in ClinVar:

NM_000038.6(APC):c.1614A>G (p.Glu538=)

Gene: APC (APC regulator of Wnt signaling pathway; plus strand). Cytogenetic location: 5q22.2.
Variant type: single nucleotide variant.
Coding change: c.1614A>G on transcript NM_000038.6 (MANE Select); coding-DNA position 1614, A replaced by G.
Protein change: p.Glu538=; no amino-acid change (glutamic acid 538 retained).
Molecular consequence: synonymous variant.
Genome position (GRCh38, 1-based): chr5:112,827,994, A>G. VCF-style: chr5-112827994-A-G. GRCh37 (hg19) VCF-style: chr5-112163691-A-G.
Other names: c.1614A>G, p.Glu538= (NM_001127510.3, NM_001354895.2); c.1560A>G, p.Glu520= (NM_001127511.3); c.1668A>G, p.Glu556= (NM_001354896.2); c.1644A>G, p.Glu548= (NM_001354897.2); c.1539A>G, p.Glu513= (NM_001354898.2); c.1530A>G, p.Glu510= (NM_001354899.2); c.1491A>G, p.Glu497= (NM_001354900.2); c.1437A>G, p.Glu479= (NM_001354901.2); and 5 more.
Identifiers: ClinVar variation 482262 (VCV000482262.15), dbSNP rs772204077, ClinGen allele CA028617.

ClinVar aggregate classification (germline): Benign/Likely benign. Review status: criteria provided, multiple submitters, no conflicts (2 of 4 stars). 3 submissions from 3 submitters: Benign (1); Likely benign (2). Last evaluated 2025-11-23.

Conditions:
Hereditary cancer-predisposing syndrome. Also called: Neoplastic Syndromes, Hereditary; Tumor predisposition; Hereditary Cancer Syndrome; Hereditary neoplastic syndrome. Identifiers: Orphanet 140162, MedGen C0027672, MeSH D009386, MONDO:0015356.
Familial adenomatous polyposis 1 (FAP1). Also called: FAMILIAL ADENOMATOUS POLYPOSIS 1, ATTENUATED; POLYPOSIS, ADENOMATOUS INTESTINAL. Identifiers: MedGen C2713442, MONDO:0021056, OMIM 175100. Disease mechanism: loss of function.

Allele frequency attached by ClinVar (database versions not stated): gnomAD exomes below 0.00001; TOPMed below 0.00001; ExAC 0.00001; gnomAD 0.00001.
gnomAD v4.1: 7 of 1,611,768 alleles (0.00043%); highest among the groups gnomAD compares: Non-Finnish European, 0.00059%; no homozygotes.

Submissions (3):

Labcorp Genetics (formerly Invitae), Labcorp
Classification: Likely benign for Familial adenomatous polyposis 1. Last evaluated: 2025-11-23. Review status: criteria provided, single submitter. Criteria: Invitae Variant Classification Sherloc (09022015). Collection method: clinical testing. Allele origin: germline.

Myriad Genetics, Inc.
Classification: Benign for Familial adenomatous polyposis 1. Last evaluated: 2024-03-06. Review status: criteria provided, single submitter. Criteria: Myriad Autosomal Dominant, Autosomal Recessive and X-Linked Classification Criteria (2023). Collection method: clinical testing. Allele origin: unknown.
Comment: This variant is considered benign. This variant is a silent/synonymous amino acid change and it is not expected to impact splicing.

Ambry Genetics
Classification: Likely benign for Hereditary cancer-predisposing syndrome. Last evaluated: 2016-08-04. Review status: criteria provided, single submitter. Criteria: Ambry Variant Classification Scheme 2023. Collection method: clinical testing. Allele origin: germline.